The following is an entry in ClinVar:

NM_001394062.1(MACF1):c.11465T>G (p.Ile3822Ser)

Gene: MACF1 (microtubule actin crosslinking factor 1; plus strand). Cytogenetic location: 1p34.3.
Variant type: single nucleotide variant.
Coding change: c.11465T>G on transcript NM_001394062.1 (MANE Select); coding-DNA position 11465, T replaced by G.
Protein change: p.Ile3822Ser; replaces isoleucine 3822 with serine.
Molecular consequence: missense variant.
Genome position (GRCh38, 1-based): chr1:39,357,415, T>G. VCF-style: chr1-39357415-T-G. GRCh37 (hg19) VCF-style: chr1-39823087-T-G.
Other names: c.5279T>G, p.Ile1760Ser (NM_012090.5); short protein forms I1760S, I3822S.
Identifiers: ClinVar variation 3729809 (VCV003729809.2).
Genomic context (GRCh38, chr1:39,357,415, plus strand): 5'-GGGGGATTTTTTTTTACCAGGCCCGTCACCAAGAATTGCTGTCCCAGCAGCAAAATTTCA[T>G]TCTGGCCACCCAGTCAGCTCAGGCCTTCTTGGATCAGCATGGCCACAATCTCACACCTGA-3'
Protein context (NP_001380991.1, residues 3812-3832): QELLSQQQNF[Ile3822Ser]LATQSAQAFL

ClinVar aggregate classification (germline): Uncertain significance (1 of 4 stars; one submission).

Submission:

Labcorp Genetics (formerly Invitae), Labcorp
Classification: Uncertain significance. Last evaluated: 2025-08-07. Review status: criteria provided, single submitter. Criteria: Invitae Variant Classification Sherloc (09022015). Collection method: clinical testing. Allele origin: germline.
Comment: This sequence change replaces isoleucine, which is neutral and non-polar, with serine, which is neutral and polar, at codon 1760 of the MACF1 protein (p.Ile1760Ser). This variant is not present in population databases (gnomAD no frequency). This variant has not been reported in the literature in individuals affected with MACF1-related conditions. ClinVar contains an entry for this variant (Variation ID: 3729809). An algorithm developed to predict the effect of missense changes on protein structure and function (PolyPhen-2) suggests that this variant is likely to be tolerated. In summary, the available evidence is currently insufficient to determine the role of this variant in disease. Therefore, it has been classified as a Variant of Uncertain Significance.